The following is an entry in ClinVar:

ClinVar aggregate classification (germline): Uncertain significance (1 of 4 stars; one submission).

Conditions:
Tuberous sclerosis 2 (TSC2). Identifiers: Orphanet 805, MedGen C1860707, MONDO:0013199, OMIM 613254.

Submission:

Labcorp Genetics (formerly Invitae), Labcorp
Classification: Uncertain significance for Tuberous sclerosis 2. Last evaluated: 2019-07-31. Review status: criteria provided, single submitter. Criteria: Invitae Variant Classification Sherloc (09022015). Collection method: clinical testing. Allele origin: germline.
Comment: In summary, the available evidence is currently insufficient to determine the role of this variant in disease. Therefore, it has been classified as a Variant of Uncertain Significance. Experimental studies and prediction algorithms are not available or were not evaluated for this variant, and the functional significance of the affected amino acid(s) is currently unknown. This variant has not been reported in the literature in individuals with TSC2-related conditions. This variant results in a copy number gain of the genomic region encompassing exons 16-42 of the TSC2 gene. The 5' boundary is likely confined to intron 15. The 3' end of this event is unknown as it extends beyond the assayed region for this gene and therefore may encompass additional genes. As the precise location of this event is unknown, it may be in tandem or it may be located elsewhere in the genome.

NC_000016.10:g.(?_2065509)_(2093096_?)dup

Genes: MIR1225 (microRNA 1225; minus strand), PKD1 (polycystin 1, transient receptor potential channel interacting; minus strand), TSC2 (TSC complex subunit 2; plus strand). Cytogenetic location: 16p13.3.
Variant type: Duplication.
Identifiers: ClinVar variation 832874 (VCV000832874.5).